The following is an entry in ClinVar:

ClinVar aggregate classification (germline): Uncertain significance (1 of 4 stars; one submission).

Submission:

GeneDx
Classification: Uncertain significance. Last evaluated: 2025-04-22. Review status: criteria provided, single submitter. Criteria: GeneDx Variant Classification Process June 2021. Collection method: clinical testing. Allele origin: germline. Affected: yes.
Comment: Not observed at significant frequency in large population cohorts (gnomAD); In silico analysis supports that this missense variant has a deleterious effect on protein structure/function; Has not been previously published as pathogenic or benign to our knowledge

NM_006421.5(ARFGEF1):c.5252A>C (p.Gln1751Pro)

Gene: ARFGEF1 (ARF guanine nucleotide exchange factor 1; minus strand). Cytogenetic location: 8q13.2.
Variant type: single nucleotide variant.
Coding change: c.5252A>C on transcript NM_006421.5 (MANE Select); coding-DNA position 5252, A replaced by C.
Protein change: p.Gln1751Pro; replaces glutamine 1751 with proline.
Molecular consequence: missense variant. On other transcripts: non-coding transcript variant (1).
Genome position (GRCh38, 1-based): chr8:67,201,482, T>G on the plus strand (A>C on the coding strand, the complement: ARFGEF1 is on the minus strand). VCF-style: chr8-67201482-T-G. GRCh37 (hg19) VCF-style: chr8-68113717-T-G.
Other names: c.5252A>C, p.Gln1751Pro (NM_001413184.1, NM_001413187.1, NM_001413194.1); c.5234A>C, p.Gln1745Pro (NM_001413185.1, NM_001413186.1, NM_001413189.1); c.4652A>C, p.Gln1551Pro (NM_001413188.1, NM_001413197.1); c.5246A>C, p.Gln1749Pro (NM_001413190.1); c.5156A>C, p.Gln1719Pro (NM_001413191.1); c.5138A>C, p.Gln1713Pro (NM_001413192.1); c.4634A>C, p.Gln1545Pro (NM_001413193.1); c.3827A>C, p.Gln1276Pro (NM_001413196.1); short protein forms Q1276P, Q1545P, Q1551P, Q1713P, Q1719P, Q1745P, Q1749P, Q1751P.
Identifiers: ClinVar variation 4527191 (VCV004527191.1).
Genomic context (GRCh38, chr8:67,201,482, plus strand): 5'-CACGTGGCTACCTGGTCAGAGATGGAAATCAGTCAAAAGTCTTACTTCAAAAGCCTCTGC[T>G]GGACCTCCTCCCAGGCACTAACGCGGCTCTCATCCATGTACATCCGGAAGAGAATGCGCA-3'
Protein context (NP_006412.2, residues 1741-1761): ESRVSAWEEV[Gln1751Pro]QRLLNVCSEA